The following is an entry in ClinVar:

NM_014000.3(VCL):c.3155T>C (p.Val1052Ala)

Gene: VCL (vinculin; plus strand). Cytogenetic location: 10q22.2.
Variant type: single nucleotide variant.
Coding change: c.3155T>C on transcript NM_014000.3 (MANE Select); coding-DNA position 3155, T replaced by C.
Protein change: p.Val1052Ala; replaces valine 1052 with alanine.
Molecular consequence: missense variant.
Genome position (GRCh38, 1-based): chr10:74,114,796, T>C. VCF-style: chr10-74114796-T-C. GRCh37 (hg19) VCF-style: chr10-75874554-T-C.
Other names: c.2951T>C, p.Val984Ala (NM_003373.4); short protein forms V984A, V1052A.
Identifiers: ClinVar variation 4716554 (VCV004716554.1).

ClinVar aggregate classification (germline): Uncertain significance (1 of 4 stars; one submission).

Conditions:
Dilated cardiomyopathy 1W (CMD1W). Identifiers: Orphanet 154, MedGen C1969639, MONDO:0012667, OMIM 611407.

Submission:

Labcorp Genetics (formerly Invitae), Labcorp
Classification: Uncertain significance for Dilated cardiomyopathy 1W. Last evaluated: 2025-04-08. Review status: criteria provided, single submitter. Criteria: Invitae Variant Classification Sherloc (09022015). Collection method: clinical testing. Allele origin: germline.
Comment: This sequence change replaces valine, which is neutral and non-polar, with alanine, which is neutral and non-polar, at codon 1052 of the VCL protein (p.Val1052Ala). This variant is not present in population databases (gnomAD no frequency). This variant has not been reported in the literature in individuals affected with VCL-related conditions. An algorithm developed to predict the effect of missense changes on protein structure and function (PolyPhen-2) suggests that this variant is likely to be disruptive. In summary, the available evidence is currently insufficient to determine the role of this variant in disease. Therefore, it has been classified as a Variant of Uncertain Significance.